The following is an entry in ClinVar:

NM_032043.3(BRIP1):c.895A>C (p.Met299Leu)

Gene: BRIP1 (BRCA1 interacting DNA helicase 1; minus strand). Cytogenetic location: 17q23.2.
Variant type: single nucleotide variant.
Coding change: c.895A>C on transcript NM_032043.3 (MANE Select); coding-DNA position 895, A replaced by C.
Protein change: p.Met299Leu; replaces methionine 299 with leucine.
Molecular consequence: missense variant.
Genome position (GRCh38, 1-based): chr17:61,808,490, T>G on the plus strand (A>C on the coding strand, the complement: BRIP1 is on the minus strand). VCF-style: chr17-61808490-T-G. GRCh37 (hg19) VCF-style: chr17-59885851-T-G.
Other names: short protein forms M299L.
Identifiers: ClinVar variation 2107524 (VCV002107524.4), dbSNP rs1242769076, ClinGen allele CA400484685.

ClinVar aggregate classification (germline): Uncertain significance (1 of 4 stars; one submission).

Conditions:
Familial cancer of breast. Also called: Hereditary breast cancer; BREAST CANCER, FAMILIAL; hereditary breast carcinoma. Identifiers: Orphanet 227535, MedGen C0346153, MONDO:0016419, OMIM 114480. Disease mechanism: loss of function.
Fanconi anemia complementation group J. Also called: BRIP1-Related Fanconi Anemia. Identifiers: Orphanet 84, MedGen C1836860, MONDO:0012187, OMIM 609054.

gnomAD v4.1: 8 of 1,613,780 alleles (0.0005%); highest among the groups gnomAD compares: Non-Finnish European, 0.00068%; no homozygotes.

Submission:

Labcorp Genetics (formerly Invitae), Labcorp
Classification: Uncertain significance for Familial cancer of breast; Fanconi anemia complementation group J. Last evaluated: 2022-03-08. Review status: criteria provided, single submitter. Criteria: Invitae Variant Classification Sherloc (09022015). Collection method: clinical testing. Allele origin: germline.
Comment: This sequence change replaces methionine, which is neutral and non-polar, with leucine, which is neutral and non-polar, at codon 299 of the BRIP1 protein (p.Met299Leu). This variant is present in population databases (no rsID available, gnomAD 0.0009%). This variant has not been reported in the literature in individuals affected with BRIP1-related conditions. Algorithms developed to predict the effect of missense changes on protein structure and function (SIFT, PolyPhen-2, Align-GVGD) all suggest that this variant is likely to be tolerated. In summary, the available evidence is currently insufficient to determine the role of this variant in disease. Therefore, it has been classified as a Variant of Uncertain Significance.